The following is an entry in ClinVar:

NM_025179.4(PLXNA2):c.1519C>A (p.Pro507Thr)

Gene: PLXNA2 (plexin A2; minus strand). Cytogenetic location: 1q32.2.
Variant type: single nucleotide variant.
Coding change: c.1519C>A on transcript NM_025179.4 (MANE Select); coding-DNA position 1519, C replaced by A.
Protein change: p.Pro507Thr; replaces proline 507 with threonine.
Molecular consequence: missense variant.
Genome position (GRCh38, 1-based): chr1:208,103,235, G>T on the plus strand (C>A on the coding strand, the complement: PLXNA2 is on the minus strand). VCF-style: chr1-208103235-G-T. GRCh37 (hg19) VCF-style: chr1-208276580-G-T.
Other names: c.1519C>A (NM_025179.3); short protein forms P507T.
Identifiers: ClinVar variation 1944790 (VCV001944790.7), dbSNP rs267598346, ClinGen allele CA344559226.

ClinVar aggregate classification (germline): Uncertain significance. Review status: criteria provided, multiple submitters, no conflicts (2 of 4 stars). 3 submissions from 3 submitters: Uncertain significance (2). 1 of the submissions does not count toward it. Last evaluated 2025-05-29.

Conditions:
PLXNA2-related disorder. Also called: PLXNA2-related condition.

Allele frequency attached by ClinVar (database versions not stated): gnomAD exomes 0.00001; TOPMed 0.00002.
gnomAD v4.1: 14 of 1,613,554 alleles (0.00087%); highest among the groups gnomAD compares: Admixed American, 0.0017%; no homozygotes.

Submissions (3):

Ambry Genetics
Classification: Uncertain significance. Last evaluated: 2025-05-29. Review status: criteria provided, single submitter. Criteria: Ambry Variant Classification Scheme 2023. Collection method: clinical testing. Allele origin: germline.

Labcorp Genetics (formerly Invitae), Labcorp
Classification: Uncertain significance. Last evaluated: 2023-08-29. Review status: criteria provided, single submitter. Criteria: Invitae Variant Classification Sherloc (09022015). Collection method: clinical testing. Allele origin: germline.
Comment: This variant is present in population databases (no rsID available, gnomAD 0.006%). This sequence change replaces proline, which is neutral and non-polar, with threonine, which is neutral and polar, at codon 507 of the PLXNA2 protein (p.Pro507Thr). This variant has not been reported in the literature in individuals affected with PLXNA2-related conditions. In summary, the available evidence is currently insufficient to determine the role of this variant in disease. Therefore, it has been classified as a Variant of Uncertain Significance. Advanced modeling of protein sequence and biophysical properties (such as structural, functional, and spatial information, amino acid conservation, physicochemical variation, residue mobility, and thermodynamic stability) performed at Invitae indicates that this missense variant is expected to disrupt PLXNA2 protein function. ClinVar contains an entry for this variant (Variation ID: 1944790).

PreventionGenetics, part of Exact Sciences
Classification: Uncertain significance for PLXNA2-related condition. Last evaluated: 2024-04-23. Review status: no assertion criteria provided. Collection method: clinical testing. Allele origin: germline. Not counted in ClinVar's aggregate classification.
Comment: The PLXNA2 c.1519C>A variant is predicted to result in the amino acid substitution p.Pro507Thr. To our knowledge, this variant has not been reported in the literature. This variant is reported in 0.0029% of alleles in individuals of Latino descent in gnomAD. At this time, the clinical significance of this variant is uncertain due to the absence of conclusive functional and genetic evidence.